The following is an entry in ClinVar:

ClinVar aggregate classification (germline): Uncertain significance (1 of 4 stars; one submission).

Submission:

GeneDx
Classification: Uncertain significance. Last evaluated: 2023-02-15. Review status: criteria provided, single submitter. Criteria: GeneDx Variant Classification Process June 2021. Collection method: clinical testing. Allele origin: germline. Affected: yes.
Comment: Not observed in large population cohorts (gnomAD); In silico analysis supports that this missense variant does not alter protein structure/function; Has not been previously published as pathogenic or benign to our knowledge

NM_001348323.3(TRIP12):c.4675T>C (p.Tyr1559His)

Gene: TRIP12 (thyroid hormone receptor interactor 12; minus strand). Cytogenetic location: 2q36.3.
Variant type: single nucleotide variant.
Coding change: c.4675T>C on transcript NM_001348323.3 (MANE Select); coding-DNA position 4675, T replaced by C.
Protein change: p.Tyr1559His; replaces tyrosine 1559 with histidine.
Molecular consequence: missense variant.
Genome position (GRCh38, 1-based): chr2:229,789,631, A>G on the plus strand (T>C on the coding strand, the complement: TRIP12 is on the minus strand). VCF-style: chr2-229789631-A-G. GRCh37 (hg19) VCF-style: chr2-230654347-A-G.
Other names: c.4594T>C, p.Tyr1532His (NM_001284214.2, NM_001348315.2); c.4549T>C, p.Tyr1517His (NM_001284215.2, NM_001348316.2); c.3640T>C, p.Tyr1214His (NM_001284216.2); c.4534T>C, p.Tyr1512His (NM_001348317.1, NM_001348318.2); c.4660T>C, p.Tyr1554His (NM_001348319.1, NM_001348320.2); c.4663T>C, p.Tyr1555His (NM_001348321.1); c.4675T>C, p.Tyr1559His (NM_001348322.1, NM_001348324.2, NM_001348325.2 and 2 more transcripts); c.4678T>C, p.Tyr1560His (NM_001348328.1, NM_001348329.2, NM_001348330.2); and 4 more; short protein forms Y1214H, Y1484H, Y1485H, Y1512H, Y1517H, Y1525H, Y1532H, Y1533H.
Identifiers: ClinVar variation 2430676 (VCV002430676.1), dbSNP rs2471032426, ClinGen allele CA350894803.